The following is an entry in ClinVar:

ClinVar aggregate classification (germline): Pathogenic (1 of 4 stars; one submission).

Conditions:
Creatine transporter deficiency (CCDS1). Also called: Creatine Transporter (CRTR) Deficiency; Mental retardation , X-linked with seizures, short stature and midface hypoplasia; Mental retardation , X-linked, with creatine transport deficiency; X-linked creatine transporter deficiency; X-linked creatine deficiency syndrome; SLC6A8-Related Creatine Transporter Deficiency. Identifiers: Orphanet 52503, MedGen C1845862, MONDO:0010305, OMIM 300352.

Submission:

Institute of Human Genetics, University of Leipzig Medical Center
Classification: Pathogenic for Creatine transporter deficiency. Last evaluated: 2019-01-01. Review status: criteria provided, single submitter. Criteria: ACMG Guidelines, 2015. Collection method: clinical testing. Allele origin: de novo. Affected: yes.
Comment: This variant was identified as de novo.

NM_005629.4(SLC6A8):c.1626C>A (p.Tyr542Ter)

Gene: SLC6A8 (solute carrier family 6 member 8; plus strand). Cytogenetic location: Xq28.
Variant type: single nucleotide variant.
Coding change: c.1626C>A on transcript NM_005629.4 (MANE Select); coding-DNA position 1626, C replaced by A.
Protein change: p.Tyr542Ter; replaces tyrosine 542 with a stop codon.
Molecular consequence: nonsense.
Genome position (GRCh38, 1-based): chrX:153,694,748, C>A. VCF-style: chrX-153694748-C-A. GRCh37 (hg19) VCF-style: chrX-152960203-C-A.
Other names: c.1596C>A, p.Tyr532Ter (NM_001142805.2); c.1281C>A, p.Tyr427Ter (NM_001142806.1); short protein forms Y427*, Y532*, Y542*.
Identifiers: ClinVar variation 975971 (VCV000975971.2), dbSNP rs140601882, ClinGen allele CA415090650.